The following is an entry in ClinVar:

ClinVar aggregate classification (germline): Pathogenic (1 of 4 stars; one submission).

Conditions:
Familial thoracic aortic aneurysm and aortic dissection (TAAD). Also called: Thoracic aortic aneurysms and dissections. Identifiers: Orphanet 91387, MedGen C4707243, MONDO:0019625.
Marfan syndrome (MFS). Also called: MARFAN SYNDROME, TYPE I; Marfan syndrome type 1; Marfan's syndrome; Marfan syndrome, classic; FBN1-Related Marfan Syndrome. Identifiers: Orphanet 284963, Orphanet 558, MedGen C0024796, MONDO:0007947, OMIM 154700.

Submission:

Labcorp Genetics (formerly Invitae), Labcorp
Classification: Pathogenic for Marfan syndrome; Familial thoracic aortic aneurysm and aortic dissection. Last evaluated: 2022-10-10. Review status: criteria provided, single submitter. Criteria: Invitae Variant Classification Sherloc (09022015). Collection method: clinical testing. Allele origin: germline.
Comment: For these reasons, this variant has been classified as Pathogenic. This variant has not been reported in the literature in individuals affected with FBN1-related conditions. This variant is not present in population databases (gnomAD no frequency). This sequence change creates a premature translational stop signal (p.His2139Leufs*21) in the FBN1 gene. It is expected to result in an absent or disrupted protein product. Loss-of-function variants in FBN1 are known to be pathogenic (PMID: 17657824, 19293843).

Literature cited by the submitters: PubMed 17657824; PubMed 19293843.

NM_000138.5(FBN1):c.6416del (p.His2139fs)

Gene: FBN1 (fibrillin 1; minus strand). Cytogenetic location: 15q21.1.
Variant type: Deletion.
Coding change: c.6416del on transcript NM_000138.5 (MANE Select); coding-DNA position 6416, one base deleted (A; older notation c.6416delA).
Protein change: p.His2139fs; shifts the reading frame from histidine 2139.
Molecular consequence: frameshift variant.
Genome position (GRCh38, 1-based): chr15:48,437,041, T deleted on the plus strand (A on the coding strand, the reverse complement: FBN1 is on the minus strand). VCF-style (leftmost placement, unchanged base first): chr15-48437040-AT-A. GRCh37 (hg19) VCF-style: chr15-48729237-AT-A.
Other names: c.6416delA, p.His2139Leufs (NM_001406716.1); short protein forms H2139fs.
Identifiers: ClinVar variation 2035018 (VCV002035018.4), dbSNP rs2505435954, ClinGen allele CA2580089547.